The following is an entry in ClinVar:

NM_001365276.2(TNXB):c.12450G>A (p.Glu4150=)

Genes: TNXB (tenascin XB; minus strand), LOC106780803 (tenascin XB recombination region; plus strand). Cytogenetic location: 6p21.33.
Variant type: single nucleotide variant.
Coding change: c.12450G>A on transcript NM_001365276.2 (MANE Select); coding-DNA position 12450, G replaced by A.
Protein change: p.Glu4150=; no amino-acid change (glutamic acid 4150 retained).
Molecular consequence: synonymous variant.
Genome position (GRCh38, 1-based): chr6:32,042,031, C>T on the plus strand (G>A on the coding strand, the complement: TNXB is on the minus strand). VCF-style: chr6-32042031-C-T. GRCh37 (hg19) VCF-style: chr6-32009808-C-T.
Other names: c.13191G>A, p.Glu4397= (NM_001428335.1); c.12444G>A, p.Glu4148= (NM_019105.8); c.1737G>A, p.Glu579= (NM_032470.4).
Identifiers: ClinVar variation 4875420 (VCV004875420.2).
Genomic context (GRCh38, chr6:32,042,031, plus strand): 5'-CCTCCCAGCCTCACCCTCCCAGCCTCACAGCCTCTGCTTACCTGCGGTGCCGTGGTAGCC[C>T]TCCAAGTGGAGGCGGTAGTACTCCGCAGCCGAGTCTACGTGGAAGGAGTCGTACTGGGCG-3'
Protein context (NP_001352205.1, residues 4140-4160): SAAEYYRLHL[Glu4150=]GYHGTAGDSM

ClinVar aggregate classification (germline): Likely benign (1 of 4 stars; one submission).

Submission:

CeGaT Center for Human Genetics Tuebingen
Classification: Likely benign. Last evaluated: 2026-06-01. Review status: criteria provided, single submitter. Criteria: CeGaT Center For Human Genetics Tuebingen Variant Classification Criteria Version 2. Collection method: clinical testing. Allele origin: germline. Affected: yes. Observed: 1 variant allele.
Comment: TNXB: BP4, BP7